The following is an entry in ClinVar:

ClinVar aggregate classification (germline): Uncertain significance. Review status: criteria provided, multiple submitters, no conflicts (2 of 4 stars). 5 submissions from 5 submitters: Uncertain significance (5). Last evaluated 2026-02-01.

Conditions:
Inborn genetic diseases. Identifiers: MedGen C0950123, MeSH D030342.
Dyskeratosis congenita, autosomal dominant 6 (DKCA6). Identifiers: Orphanet 3322, MedGen C4225284, MONDO:0014690, OMIM 616553.

Allele frequency attached by ClinVar (database versions not stated): gnomAD 0.00001; TOPMed 0.00001; gnomAD exomes 0.00003 and 0.00007; ExAC 0.00009; 1000 Genomes Project 30x 0.00016; 1000 Genomes Project 0.00020.
gnomAD v4.1: 51 of 1,613,518 alleles (0.0032%); highest among the groups gnomAD compares: South Asian, 0.04%; no homozygotes.

Submissions (6):

CeGaT Center for Human Genetics Tuebingen
Classification: Uncertain significance. Last evaluated: 2026-02-01. Review status: criteria provided, single submitter. Criteria: CeGaT Center For Human Genetics Tuebingen Variant Classification Criteria Version 2. Collection method: clinical testing. Allele origin: germline. Affected: yes. Observed: 1 variant allele.
Comment: ACD: PM2, PP3

Labcorp Genetics (formerly Invitae), Labcorp
Classification: Uncertain significance for Dyskeratosis congenita, autosomal dominant 6. Last evaluated: 2026-01-17. Review status: criteria provided, single submitter. Criteria: Invitae Variant Classification Sherloc (09022015). Collection method: clinical testing. Allele origin: germline.
Comment: This sequence change affects codon 301 of the ACD mRNA. It is a 'silent' change, meaning that it does not change the encoded amino acid sequence of the ACD protein. This variant also falls at the last nucleotide of exon 7, which is part of the consensus splice site for this exon. This variant is present in population databases (rs571116752, gnomAD 0.05%). This variant has not been reported in the literature in individuals affected with ACD-related conditions. ClinVar contains an entry for this variant (Variation ID: 648536). Variants that disrupt the consensus splice site are a relatively common cause of aberrant splicing (PMID: 17576681, 9536098). Algorithms developed to predict the effect of sequence changes on RNA splicing suggest that this variant may disrupt the consensus splice site. In summary, the available evidence is currently insufficient to determine the role of this variant in disease. Therefore, it has been classified as a Variant of Uncertain Significance.

Blueprint Genetics
Classification: Uncertain significance. Last evaluated: 2024-09-12. Review status: criteria provided, single submitter. Criteria: ACMG Guidelines, 2015. Collection method: clinical testing. Allele origin: germline.

Ambry Genetics
Classification: Uncertain significance for Inborn genetic diseases. Last evaluated: 2021-07-01. Review status: criteria provided, single submitter. Criteria: Ambry Variant Classification Scheme 2023. Collection method: clinical testing. Allele origin: germline.
Comment: The c.903G>A (p.T301T) alteration is located in exon 7 (coding exon 7) of the ACD gene. This alteration consists of a G to A substitution at nucleotide position 903. This nucleotide substitution does not change the amino acid at codon 301. However, this change occurs in the last nucleotide of Exon 7 (c.752_903) which makes it likely to have some effect on normal mRNA splicing. Based on insufficient or conflicting evidence, the clinical significance of this alteration remains unclear.

Neuberg Centre For Genomic Medicine, NCGM
Classification: Uncertain significance for Dyskeratosis congenita, autosomal dominant 6. Review status: criteria provided, single submitter. Criteria: ACMG Guidelines, 2015. Collection method: clinical testing. Allele origin: germline. Inheritance: Autosomal recessive inheritance. Affected: yes.
Comment: The observed synonymous variant c.645G>A (p.Thr215) in the ACD gene has not been reported previously as a pathogenic variant nor as a benign variant, to our knowledge. This p.Thr215 type of mutation causes no change in the protein that is produced, which is why it's considered as synonymous mutation. This variant has been reported to the ClinVar database as Uncertain significance. This variant is reported with the allele frequency 0.0004% in the gnomAD Exomes. It is predicted to be damaging as per SpliceAI prediction tool. For these reasons, this variant has been classified as uncertain significance.

Dr. Peter K. Rogan Lab, Western University
No classification provided (evidence only). Condition: Sarcoma. Review status: no classification provided. Collection method: in vitro. Allele origin: not applicable. Functional consequence: retained intron. Not counted in ClinVar's aggregate classification.

Literature cited by the submitters: PubMed 17576681 (cited by Labcorp Genetics (formerly Invitae), Labcorp); PubMed 9536098 (cited by Labcorp Genetics (formerly Invitae), Labcorp).

NM_001082486.2(ACD):c.645G>A (p.Thr215=)

Gene: ACD (ACD shelterin complex subunit and telomerase recruitment factor; minus strand). Cytogenetic location: 16q22.1.
Variant type: single nucleotide variant.
Coding change: c.645G>A on transcript NM_001082486.2 (MANE Select); coding-DNA position 645, G replaced by A.
Protein change: p.Thr215=; no amino-acid change (threonine 215 retained).
Molecular consequence: synonymous variant.
Genome position (GRCh38, 1-based): chr16:67,658,928, C>T on the plus strand (G>A on the coding strand, the complement: ACD is on the minus strand). VCF-style: chr16-67658928-C-T. GRCh37 (hg19) VCF-style: chr16-67692831-C-T.
Other names: c.645G>A, p.Thr215= (LRG_1237t1); c.636G>A, p.Thr212= (NM_022914.3).
Identifiers: ClinVar variation 648536 (VCV000648536.16), dbSNP rs571116752, ClinGen allele CA8114602.